The following is an entry in ClinVar:

NM_001330260.2(SCN8A):c.3640G>A (p.Ala1214Thr)

Gene: SCN8A (sodium voltage-gated channel alpha subunit 8; plus strand). Cytogenetic location: 12q13.13.
Variant type: single nucleotide variant.
Coding change: c.3640G>A on transcript NM_001330260.2 (MANE Select); coding-DNA position 3640, G replaced by A.
Protein change: p.Ala1214Thr; replaces alanine 1214 with threonine.
Molecular consequence: missense variant.
Genome position (GRCh38, 1-based): chr12:51,770,678, G>A. VCF-style: chr12-51770678-G-A. GRCh37 (hg19) VCF-style: chr12-52164462-G-A.
Other names: p.A1214T:GCC>ACC; c.3640G>A, p.Ala1214Thr (NM_001177984.3, NM_001369788.1, NM_014191.4); short protein forms A1214T.
Identifiers: ClinVar variation 207114 (VCV000207114.19), dbSNP rs769243993, ClinGen allele CA318266.

ClinVar aggregate classification (germline): Conflicting classifications of pathogenicity. Review status: criteria provided, conflicting classifications (1 of 4 stars). 4 submissions from 4 submitters: Uncertain significance (3); Likely benign (1). Last evaluated 2024-04-12.

Conditions:
Inborn genetic diseases. Identifiers: MedGen C0950123, MeSH D030342.
Early-infantile DEE. Also called: Early infantile epileptic encephalopathy; Ohtahara syndrome; Early infantile epileptic encephalopathy with suppression bursts. Identifiers: Orphanet 1934, MedGen C0393706, MONDO:0800491.

Allele frequency attached by ClinVar (database versions not stated): ExAC 0.00001; gnomAD 0.00001; gnomAD exomes 0.00002 and 0.00003; TOPMed 0.00002.
gnomAD v4.1: 31 of 1,613,844 alleles (0.0019%); highest among the groups gnomAD compares: South Asian, 0.0077%; no homozygotes.

Submissions (4):

Labcorp Genetics (formerly Invitae), Labcorp
Classification: Likely benign for Early-infantile DEE. Last evaluated: 2024-04-12. Review status: criteria provided, single submitter. Criteria: Invitae Variant Classification Sherloc (09022015). Collection method: clinical testing. Allele origin: germline.

GeneDx
Classification: Uncertain significance. Last evaluated: 2019-10-18. Review status: criteria provided, single submitter. Criteria: GeneDx Variant Classification Process June 2021. Collection method: clinical testing. Allele origin: germline. Affected: yes.
Comment: Reported as de novo in individual with paroxysmal kinesigenic dyskinesia (Tian et al., 2018); The majority of missense variants in this gene are considered pathogenic (Stenson et al., 2014); In silico analysis, which includes protein predictors and evolutionary conservation, supports a deleterious effect; Observed in heterozygous state in several clinically unaffected adult relatives of individuals referred for genetic testing at GeneDx; This substitution is predicted to be within transmembrane segment S1 of the third homologous domain; This variant is associated with the following publications: (PMID: 29356177)

Ambry Genetics
Classification: Uncertain significance for Inborn genetic diseases. Last evaluated: 2018-03-27. Review status: criteria provided, single submitter. Criteria: Ambry Variant Classification Scheme 2023. Collection method: clinical testing. Allele origin: germline.
Comment: The p.A1214T variant (also known as c.3640G>A), located in coding exon 18 of the SCN8A gene, results from a G to A substitution at nucleotide position 3640. The alanine at codon 1214 is replaced by threonine, an amino acid with similar properties. This variant did not co-segregate with disease in two unrelated individuals tested in our laboratory. Based on data from gnomAD, the A allele has an overall frequency of approximately 0.003% (8/246054) total alleles studied. The highest observed frequency was 0.01% (2/17244) of East Asian alleles. This amino acid position is highly conserved in available vertebrate species. In addition, this alteration is predicted to be deleterious by in silico analysis. Since supporting evidence is conflicting at this time, the clinical significance of this alteration remains unclear.

Eurofins Ntd Llc (ga)
Classification: Uncertain significance. Last evaluated: 2016-03-31. Review status: criteria provided, single submitter. Criteria: EGL Classification Definitions 2015. Collection method: clinical testing. Allele origin: germline. Observed: 2 variant alleles, 2 heterozygotes.

Literature cited by the submitters: PubMed 29356177 (cited by Ambry Genetics).